The following is an entry in ClinVar:

ClinVar aggregate classification (germline): Uncertain significance. Review status: reviewed by expert panel (3 of 4 stars). 2 submissions from 2 submitters: Uncertain significance (1). 1 of the submissions does not count toward it. Last evaluated 2024-09-12.

Conditions:
Hereditary thrombocytopenia and hematological cancer predisposition syndrome associated with RUNX1. Also called: RUNX1 Familial Platelet Disorder with Associated Myeloid Malignancies; Familial Platelet Disorder with Propensity to Acute Myelogenous Leukemia; Familial thrombocytopenia with propensity to acute myelogenous leukemia; PLATELET DISORDER, ASPIRIN-LIKE. Identifiers: Orphanet 71290, MedGen C1832388, MeSH C563324, MONDO:0100083, OMIM 601399.
Hereditary thrombocytopenia and hematologic cancer predisposition syndrome. Identifiers: Orphanet 71290, MedGen CN281654, MONDO:0011071.

Submissions (2):

ClinGen Myeloid Malignancy Variant Curation Expert Panel
Classification: Uncertain significance for Hereditary thrombocytopenia and hematologic cancer predisposition syndrome. Last evaluated: 2024-09-12. Review status: reviewed by expert panel. Criteria: ClinGen MyeloMalig ACMG Specifications v2. Collection method: curation. Allele origin: germline. Inheritance: Autosomal dominant inheritance.
Comment: NM_001754.5(RUNX1):c.1046A>G (p.Tyr349Cys) is a missense variant which is completely absent from all population databases with at least 20x coverage for RUNX1 (PM2_Supporting). In summary, the clinical significance of this variant is uncertain due to insufficient evidence. ACMG/AMP criteria applied, as specified by the Myeloid Malignancy Variant Curation Expert Panel for RUNX1: PM2_Supporting.

Labcorp Genetics (formerly Invitae), Labcorp
Classification: Uncertain significance for Hereditary thrombocytopenia and hematological cancer predisposition syndrome associated with RUNX1. Last evaluated: 2023-05-02. Review status: criteria provided, single submitter. Criteria: Invitae Variant Classification Sherloc (09022015). Collection method: clinical testing. Allele origin: germline. Not counted in ClinVar's aggregate classification.
Comment: In summary, the available evidence is currently insufficient to determine the role of this variant in disease. Therefore, it has been classified as a Variant of Uncertain Significance. Advanced modeling of protein sequence and biophysical properties (such as structural, functional, and spatial information, amino acid conservation, physicochemical variation, residue mobility, and thermodynamic stability) has been performed at Invitae for this missense variant, however the output from this modeling did not meet the statistical confidence thresholds required to predict the impact of this variant on RUNX1 protein function. This variant has not been reported in the literature in individuals affected with RUNX1-related conditions. This variant is not present in population databases (gnomAD no frequency). This sequence change replaces tyrosine, which is neutral and polar, with cysteine, which is neutral and slightly polar, at codon 349 of the RUNX1 protein (p.Tyr349Cys).

NM_001754.5(RUNX1):c.1046A>G (p.Tyr349Cys)

Gene: RUNX1 (RUNX family transcription factor 1; minus strand). Cytogenetic location: 21q22.12.
Variant type: single nucleotide variant.
Coding change: c.1046A>G on transcript NM_001754.5 (MANE Select); coding-DNA position 1046, A replaced by G.
Protein change: p.Tyr349Cys; replaces tyrosine 349 with cysteine.
Molecular consequence: missense variant.
Genome position (GRCh38, 1-based): chr21:34,792,532, T>C on the plus strand (A>G on the coding strand, the complement: RUNX1 is on the minus strand). VCF-style: chr21-34792532-T-C. GRCh37 (hg19) VCF-style: chr21-36164829-T-C.
Other names: NM_001754.5(RUNX1):c.1046A>G; p.Tyr349Cys; c.965A>G, p.Tyr322Cys (NM_001001890.3); short protein forms Y322C, Y349C.
Identifiers: ClinVar variation 2917126 (VCV002917126.4), dbSNP rs2516823806, ClinGen allele CA410148358.